The following is an entry in ClinVar:

ClinVar aggregate classification (germline): Uncertain significance. Review status: criteria provided, multiple submitters, no conflicts (2 of 4 stars). 2 submissions from 2 submitters: Uncertain significance (2). Last evaluated 2024-08-28.

Conditions:
Familial cancer of breast. Also called: hereditary breast carcinoma; BREAST CANCER, FAMILIAL; Hereditary breast cancer. Identifiers: Orphanet 227535, MedGen C0346153, MONDO:0016419, OMIM 114480. Disease mechanism: loss of function.
Hereditary cancer-predisposing syndrome. Also called: Neoplastic Syndromes, Hereditary; Tumor predisposition; Hereditary Cancer Syndrome; Hereditary neoplastic syndrome. Identifiers: Orphanet 140162, MedGen C0027672, MeSH D009386, MONDO:0015356.

Allele frequency attached by ClinVar (database versions not stated): gnomAD 0.00001.
gnomAD v4.1: 1 of 1,613,946 alleles (0.000062%); highest among the groups gnomAD compares: African/African-American, 0.0013%; no homozygotes.

Submissions (2):

Labcorp Genetics (formerly Invitae), Labcorp
Classification: Uncertain significance for Familial cancer of breast. Last evaluated: 2024-08-28. Review status: criteria provided, single submitter. Criteria: Invitae Variant Classification Sherloc (09022015). Collection method: clinical testing. Allele origin: germline.
Comment: This sequence change replaces isoleucine, which is neutral and non-polar, with valine, which is neutral and non-polar, at codon 156 of the PALB2 protein (p.Ile156Val). This variant is not present in population databases (gnomAD no frequency). This variant has not been reported in the literature in individuals affected with PALB2-related conditions. ClinVar contains an entry for this variant (Variation ID: 651711). An algorithm developed to predict the effect of missense changes on protein structure and function outputs the following: PolyPhen-2: "Benign". The valine amino acid residue is found in multiple mammalian species, which suggests that this missense change does not adversely affect protein function. In summary, the available evidence is currently insufficient to determine the role of this variant in disease. Therefore, it has been classified as a Variant of Uncertain Significance.

Ambry Genetics
Classification: Uncertain significance for Hereditary cancer-predisposing syndrome. Last evaluated: 2022-06-04. Review status: criteria provided, single submitter. Criteria: Ambry Variant Classification Scheme 2023. Collection method: clinical testing. Allele origin: germline.
Comment: The p.I156V variant (also known as c.466A>G), located in coding exon 4 of the PALB2 gene, results from an A to G substitution at nucleotide position 466. The isoleucine at codon 156 is replaced by valine, an amino acid with highly similar properties. This amino acid position is conserved. In addition, this alteration is predicted to be tolerated by in silico analysis. Since supporting evidence is limited at this time, the clinical significance of this alteration remains unclear.

NM_024675.4(PALB2):c.466A>G (p.Ile156Val)

Gene: PALB2 (partner and localizer of BRCA2; minus strand). Cytogenetic location: 16p12.2.
Variant type: single nucleotide variant.
Coding change: c.466A>G on transcript NM_024675.4 (MANE Select); coding-DNA position 466, A replaced by G.
Protein change: p.Ile156Val; replaces isoleucine 156 with valine.
Molecular consequence: missense variant.
Genome position (GRCh38, 1-based): chr16:23,636,080, T>C on the plus strand (A>G on the coding strand, the complement: PALB2 is on the minus strand). VCF-style: chr16-23636080-T-C. GRCh37 (hg19) VCF-style: chr16-23647401-T-C.
Other names: short protein forms I156V.
Identifiers: ClinVar variation 651711 (VCV000651711.7), dbSNP rs1597099200, ClinGen allele CA395137158.